The following is an entry in ClinVar:

NM_006005.3(WFS1):c.2612T>G (p.Val871Gly)

Gene: WFS1 (wolframin ER transmembrane glycoprotein; plus strand). Cytogenetic location: 4p16.1.
Variant type: single nucleotide variant.
Coding change: c.2612T>G on transcript NM_006005.3 (MANE Select); coding-DNA position 2612, T replaced by G.
Protein change: p.Val871Gly; replaces valine 871 with glycine.
Molecular consequence: missense variant.
Genome position (GRCh38, 1-based): chr4:6,302,407, T>G. VCF-style: chr4-6302407-T-G. GRCh37 (hg19) VCF-style: chr4-6304134-T-G.
Other names: c.2612T>G, p.Val871Gly (NM_001145853.1); short protein forms V871G.
Identifiers: ClinVar variation 1572110 (VCV001572110.13), dbSNP rs764211494, ClinGen allele CA2839804.

ClinVar aggregate classification (germline): Conflicting classifications of pathogenicity. Review status: criteria provided, conflicting classifications (1 of 4 stars). 5 submissions from 5 submitters: Pathogenic (1); Uncertain significance (3); Likely benign (1). Last evaluated 2025-12-30.

Conditions:
Autosomal dominant nonsyndromic hearing loss 6 (LFSNHL). Also called: DEAFNESS, AUTOSOMAL DOMINANT 6; DEAFNESS, AUTOSOMAL DOMINANT 14; DEAFNESS, AUTOSOMAL DOMINANT 38; Autosomal dominant nonsyndromic deafness 6. Identifiers: Orphanet 90635, MedGen C1833021, MONDO:0010963, OMIM 600965.
Type 2 diabetes mellitus. Also called: Type II diabetes mellitus. Identifiers: MedGen C0011860, MeSH D003924, MONDO:0005148, OMIM 125853, HP:0005978.
Cataract 41 (CTRCT41). Also called: CATARACT 41, CONGENITAL NUCLEAR TYPE. Identifiers: Orphanet 91492, Orphanet 98991, Orphanet 98992, Orphanet 98995, MedGen C3805412, MONDO:0007287, OMIM 116400.
Wolfram syndrome 1 (WFS1). Identifiers: Orphanet 3463, MedGen C4551693, MONDO:0009101, OMIM 222300.
Wolfram-like syndrome. Also called: HEARING LOSS, PROGRESSIVE, WITH OPTIC ATROPHY AND/OR IMPAIRED GLUCOSE REGULATION. Identifiers: Orphanet 411590, MedGen C3280358, MONDO:0013673, OMIM 614296.

Allele frequency attached by ClinVar (database versions not stated): gnomAD 0.00001 and 0.00003; TOPMed 0.00004; ExAC 0.00009; gnomAD exomes 0.00009 and 0.00011.
gnomAD v4.1: 164 of 1,613,144 alleles (0.01%); highest among the groups gnomAD compares: South Asian, 0.07%; 1 homozygote.

Submissions (5):

GeneDx
Classification: Uncertain significance. Last evaluated: 2025-12-30. Review status: criteria provided, single submitter. Criteria: GeneDx Variant Classification Process June 2021. Collection method: clinical testing. Allele origin: germline.
Comment: In silico analysis supports that this missense variant has a deleterious effect on protein structure/function; This variant is associated with the following publications: (PMID: 34426522, 30663027, 37277527, 40501086)

Labcorp Genetics (formerly Invitae), Labcorp
Classification: Likely benign. Last evaluated: 2025-09-28. Review status: criteria provided, single submitter. Criteria: Invitae Variant Classification Sherloc (09022015). Collection method: clinical testing. Allele origin: germline.

Laboratory of Prof. Karen Avraham, Tel Aviv University
Classification: Pathogenic for Autosomal dominant nonsyndromic hearing loss 6. Last evaluated: 2024-06-13. Review status: criteria provided, single submitter. Criteria: ACMG Guidelines, 2015. Collection method: research. Allele origin: germline. Affected: yes. Observed: 1 variant allele.
Comment: Pathogenic by Deafness Variation Databse based on PMID: 30663027

DFNA6; high-tone HL

Blueprint Genetics
Classification: Uncertain significance. Last evaluated: 2024-06-12. Review status: criteria provided, single submitter. Criteria: ACMG Guidelines, 2015. Collection method: clinical testing. Allele origin: germline.

Department of Pathology and Laboratory Medicine, Sinai Health System
Classification: Uncertain significance for Cataract 41; Type 2 diabetes mellitus; Wolfram syndrome 1; Autosomal dominant nonsyndromic hearing loss 6; Wolfram-like syndrome. Last evaluated: 2021-12-14. Review status: criteria provided, single submitter. Criteria: ACMG Guidelines, 2015. Collection method: research. Allele origin: germline.